The following is an entry in ClinVar:

NM_001267550.2(TTN):c.35409T>G (p.Ile11803Met)

Gene: TTN (titin; minus strand). Cytogenetic location: 2q31.2.
Variant type: single nucleotide variant.
Coding change: c.35409T>G on transcript NM_001267550.2 (MANE Select); coding-DNA position 35409, T replaced by G.
Protein change: p.Ile11803Met; replaces isoleucine 11803 with methionine.
Molecular consequence: missense variant. On other transcripts: intron variant (5).
Genome position (GRCh38, 1-based): chr2:178,669,653, A>C on the plus strand (T>G on the coding strand, the complement: TTN is on the minus strand). VCF-style: chr2-178669653-A-C. GRCh37 (hg19) VCF-style: chr2-179534380-A-C.
Other names: c.13283-27336T>G (NM_003319.4); c.13859-27336T>G (NM_133437.4); c.13658-27336T>G (NM_133432.3); c.31483+565T>G (NM_133378.4); c.34264+565T>G (NM_001256850.1); short protein forms I11803M.
Identifiers: ClinVar variation 992720 (VCV000992720.10), dbSNP rs186992412, ClinGen allele CA1997826.

ClinVar aggregate classification (germline): Conflicting classifications of pathogenicity. Review status: criteria provided, conflicting classifications (1 of 4 stars). 7 submissions from 7 submitters: Uncertain significance (1); Benign (1); Likely benign (4). 1 of the submissions does not count toward it. Last evaluated 2026-02-03.

Conditions:
Hypertrophic cardiomyopathy 9. Also called: Familial hypertrophic cardiomyopathy 9. Identifiers: MedGen C1861065, MONDO:0013412, OMIM 613765.
Dilated cardiomyopathy 1G (CMD1G). Identifiers: Orphanet 154, MedGen C1858763, MONDO:0011400, OMIM 604145.
Early-onset myopathy with fatal cardiomyopathy (CMYO5). Also called: CONGENITAL MYOPATHY 5 WITH CARDIOMYOPATHY; Salih Myopathy. Identifiers: Orphanet 289377, MedGen C2673677, MONDO:0012714, OMIM 611705. Disease mechanism: loss of function.
TTN-related disorder. Also called: TTN-related disorders; TTN-related condition; TTN-related disease.
Autosomal recessive limb-girdle muscular dystrophy type 2J (LGMDR10). Also called: Limb-girdle muscular dystrophy, type 2J; MUSCULAR DYSTROPHY, LIMB-GIRDLE, AUTOSOMAL RECESSIVE 10. Identifiers: Orphanet 140922, MedGen C1837342, MONDO:0012127, OMIM 608807.

Allele frequency attached by ClinVar (database versions not stated): ExAC 0.00030; 1000 Genomes Project 30x 0.00125; TOPMed 0.00128; gnomAD 0.00129; 1000 Genomes Project 0.00080; gnomAD exomes 0.00023; ESP Exome Variant Server 0.00122.
gnomAD v4.1: 340 of 1,612,328 alleles (0.021%); highest among the groups gnomAD compares: African/African-American, 0.42%; no homozygotes.

Submissions (7):

Labcorp Genetics (formerly Invitae), Labcorp
Classification: Likely benign for Dilated cardiomyopathy 1G; Autosomal recessive limb-girdle muscular dystrophy type 2J. Last evaluated: 2026-02-03. Review status: criteria provided, single submitter. Criteria: Invitae Variant Classification Sherloc (09022015). Collection method: clinical testing. Allele origin: germline.

Molecular Diagnostic Laboratory for Inherited Cardiovascular Disease, Montreal Heart Institute
Classification: Likely benign. Last evaluated: 2025-07-24. Review status: criteria provided, single submitter. Criteria: ACMG Guidelines, 2015. Collection method: clinical testing. Allele origin: germline. Affected: no.
Comment: BP1

ARUP Laboratories, Molecular Genetics and Genomics, ARUP Laboratories
Classification: Likely benign. Last evaluated: 2025-03-26. Review status: criteria provided, single submitter. Criteria: ARUP Molecular Germline Variant Investigation Process 2024. Collection method: clinical testing. Allele origin: germline.

Blueprint Genetics
Classification: Likely benign. Last evaluated: 2024-08-21. Review status: criteria provided, single submitter. Criteria: ACMG Guidelines, 2015. Collection method: clinical testing. Allele origin: germline.

Athena Diagnostics
Classification: Benign. Last evaluated: 2020-02-17. Review status: criteria provided, single submitter. Criteria: Athena Diagnostics Criteria. Collection method: clinical testing. Allele origin: unknown.

New York Genome Center
Classification: Uncertain significance for Hypertrophic cardiomyopathy 9; Early-onset myopathy with fatal cardiomyopathy; Dilated cardiomyopathy 1G. Last evaluated: 2019-07-12. Review status: criteria provided, single submitter. Criteria: NYGC Assertion Criteria 2020. Collection method: clinical testing. Allele origin: germline. Observed: 1 heterozygote. Study: CSER-NYCKidSeq.

PreventionGenetics, part of Exact Sciences
Classification: Likely benign for TTN-related condition. Last evaluated: 2022-06-23. Review status: no assertion criteria provided. Collection method: clinical testing. Allele origin: germline. Not counted in ClinVar's aggregate classification.
Comment: This variant is classified as likely benign based on ACMG/AMP sequence variant interpretation guidelines (Richards et al. 2015 PMID: 25741868, with internal and published modifications).